The following is an entry in ClinVar:

NM_014159.7(SETD2):c.7001A>G (p.Gln2334Arg)

Gene: SETD2 (SET domain containing 2, histone lysine methyltransferase; minus strand). Cytogenetic location: 3p21.31.
Variant type: single nucleotide variant.
Coding change: c.7001A>G on transcript NM_014159.7 (MANE Select); coding-DNA position 7001, A replaced by G.
Protein change: p.Gln2334Arg; replaces glutamine 2334 with arginine.
Molecular consequence: missense variant. On other transcripts: non-coding transcript variant (1).
Genome position (GRCh38, 1-based): chr3:47,046,584, T>C on the plus strand (A>G on the coding strand, the complement: SETD2 is on the minus strand). VCF-style: chr3-47046584-T-C. GRCh37 (hg19) VCF-style: chr3-47088074-T-C.
Other names: c.6869A>G, p.Gln2290Arg (NM_001349370.3); short protein forms Q2290R, Q2334R.
Identifiers: ClinVar variation 1695570 (VCV001695570.2), dbSNP rs2107549649, ClinGen allele CA352515664.

ClinVar aggregate classification (germline): Uncertain significance (1 of 4 stars; one submission).

Allele frequency attached by ClinVar (database versions not stated): gnomAD exomes below 0.00001.

Submission:

GeneDx
Classification: Uncertain significance. Last evaluated: 2022-01-04. Review status: criteria provided, single submitter. Criteria: GeneDx Variant Classification Process June 2021. Collection method: clinical testing. Allele origin: germline. Affected: yes.
Comment: Not observed at significant frequency in large population cohorts (gnomAD); In silico analysis supports that this missense variant does not alter protein structure/function; Has not been previously published as pathogenic or benign to our knowledge